The following is an entry in ClinVar:

ClinVar aggregate classification (germline): Likely benign (1 of 4 stars; one submission).

Conditions:
Multiple endocrine neoplasia, type 2 (MEN2). Identifiers: Orphanet 653, MedGen C4048306, MONDO:0019003. Disease mechanism: gain of function.

Submission:

All of Us Research Program, National Institutes of Health
Classification: Likely benign for Multiple endocrine neoplasia, type 2. Last evaluated: 2024-07-20. Review status: criteria provided, single submitter. Criteria: ACMG Guidelines, 2015. Collection method: clinical testing. Allele origin: germline. Inheritance: Autosomal dominant inheritance. Observed: 1 variant allele, 1 heterozygote.
Comment: This study involves interpretation of variants in research participants for the purpose of population health screening. Participant phenotype was not available at the time of variant classification. Additional details can be found in publication PMID: 35346344, PMCID: PMC8962531

NM_020975.6(RET):c.903A>T (p.Ala301=)

Gene: RET (ret proto-oncogene; plus strand). Cytogenetic location: 10q11.21.
Variant type: single nucleotide variant.
Coding change: c.903A>T on transcript NM_020975.6 (MANE Select); coding-DNA position 903, A replaced by T.
Protein change: p.Ala301=; no amino-acid change (alanine 301 retained).
Molecular consequence: synonymous variant. On other transcripts: intron variant (25).
Genome position (GRCh38, 1-based): chr10:43,106,411, A>T. VCF-style: chr10-43106411-A-T. GRCh37 (hg19) VCF-style: chr10-43601859-A-T.
Other names: c.141A>T, p.Ala47= (NM_001355216.2); c.903A>T, p.Ala301= (NM_001406743.1, NM_001406744.1, NM_001406759.1 and 4 more transcripts); c.774A>T, p.Ala258= (NM_001406761.1, NM_001406762.1, NM_001406764.1 and 1 more transcripts); c.615A>T, p.Ala205= (NM_001406766.1, NM_001406767.1, NM_001406770.1); c.867+1218A>T (NM_001406772.1, NM_001406769.1); c.626-2620A>T (NM_001406773.1, NM_001406771.1); c.625+3782A>T (NM_001406782.1, NM_001406780.1, NM_001406779.1 and 3 more transcripts); c.738+1218A>T (NM_001406774.1); and 5 more.
Identifiers: ClinVar variation 3387589 (VCV003387589.1).
Genomic context (GRCh38, chr10:43,106,411, plus strand): 5'-GACCAACGCCCTCTGCATCCTGCAGGACACCGTGGTGGCCACGCTGCGTGTCTTCGATGC[A>T]GACGTGGTACCTGCATCAGGGGAGCTGGTGAGGCGGTACACAAGCACGCTGCTCCCCGGG-3'
Protein context (NP_066124.1, residues 291-311): TVVATLRVFD[Ala301=]DVVPASGELV